The following is an entry in ClinVar:

ClinVar aggregate classification (germline): Uncertain significance. Review status: criteria provided, multiple submitters, no conflicts (2 of 4 stars). 5 submissions from 5 submitters: Uncertain significance (5). Last evaluated 2025-10-12.

Conditions:
Inborn genetic diseases. Identifiers: MedGen C0950123, MeSH D030342.
Congenital myasthenic syndrome 2A. Also called: Myasthenic syndrome, congenital, 2a, slow-channel. Identifiers: Orphanet 590, MedGen C4225374, MONDO:0014581, OMIM 616313.

Allele frequency attached by ClinVar (database versions not stated): gnomAD exomes 0.00001; gnomAD 0.00009; TOPMed 0.00019.

Submissions (5):

Labcorp Genetics (formerly Invitae), Labcorp
Classification: Uncertain significance for Congenital myasthenic syndrome 2A. Last evaluated: 2025-10-12. Review status: criteria provided, single submitter. Criteria: Invitae Variant Classification Sherloc (09022015). Collection method: clinical testing. Allele origin: germline.
Comment: This sequence change replaces methionine, which is neutral and non-polar, with threonine, which is neutral and polar, at codon 167 of the CHRNB1 protein (p.Met167Thr). This variant is present in population databases (no rsID available, gnomAD 0.01%). This variant has not been reported in the literature in individuals affected with CHRNB1-related conditions. ClinVar contains an entry for this variant (Variation ID: 447037). Invitae Evidence Modeling of protein sequence and biophysical properties (such as structural, functional, and spatial information, amino acid conservation, physicochemical variation, residue mobility, and thermodynamic stability) indicates that this missense variant is expected to disrupt CHRNB1 protein function with a positive predictive value of 80%. In summary, the available evidence is currently insufficient to determine the role of this variant in disease. Therefore, it has been classified as a Variant of Uncertain Significance.

Mendelics
Classification: Uncertain significance. Last evaluated: 2022-05-04. Review status: criteria provided, single submitter. Criteria: Mendelics Assertion Criteria 2019. Collection method: clinical testing. Allele origin: germline.

Ambry Genetics
Classification: Uncertain significance for Inborn genetic diseases. Last evaluated: 2021-09-15. Review status: criteria provided, single submitter. Criteria: Ambry Variant Classification Scheme 2023. Collection method: clinical testing. Allele origin: germline.

Revvity Omics, Revvity
Classification: Uncertain significance. Last evaluated: 2019-10-16. Review status: criteria provided, single submitter. Criteria: ACMG Guidelines, 2015. Collection method: clinical testing. Allele origin: germline.

Athena Diagnostics
Classification: Uncertain significance. Last evaluated: 2016-10-14. Review status: criteria provided, single submitter. Criteria: Athena Diagnostics Criteria. Collection method: clinical testing. Allele origin: germline.

NM_000747.3(CHRNB1):c.500T>C (p.Met167Thr)

Gene: CHRNB1 (cholinergic receptor nicotinic beta 1 subunit; plus strand). Cytogenetic location: 17p13.1.
Variant type: single nucleotide variant.
Coding change: c.500T>C on transcript NM_000747.3 (MANE Select); coding-DNA position 500, T replaced by C.
Protein change: p.Met167Thr; replaces methionine 167 with threonine.
Molecular consequence: missense variant.
Genome position (GRCh38, 1-based): chr17:7,447,540, T>C. VCF-style: chr17-7447540-T-C. GRCh37 (hg19) VCF-style: chr17-7350859-T-C.
Other names: short protein forms M167T.
Identifiers: ClinVar variation 447037 (VCV000447037.11), dbSNP rs1284035468, ClinGen allele CA397792614.
Genomic context (GRCh38, chr17:7,447,540, plus strand): 5'-TAGTGACTCTCTCCTCCATCCAGGTCACCTACTTCCCCTTCGACTGGCAGAATTGCACTA[T>C]GGTGTTCAGCTCCTACAGCTACGACAGCTCGGAGGTCAGCCTGCAGACAGGCCTGGGTCC-3'
Protein context (NP_000738.2, residues 157-177): YFPFDWQNCT[Met167Thr]VFSSYSYDSS